The following is an entry in ClinVar:

NM_001004334.4(GPR179):c.673C>T (p.Gln225Ter)

Gene: GPR179 (G protein-coupled receptor 179; minus strand). Cytogenetic location: 17q12.
Variant type: single nucleotide variant.
Coding change: c.673C>T on transcript NM_001004334.4 (MANE Select); coding-DNA position 673, C replaced by T.
Protein change: p.Gln225Ter; replaces glutamine 225 with a stop codon.
Molecular consequence: nonsense.
Genome position (GRCh38, 1-based): chr17:38,343,117, G>A on the plus strand (C>T on the coding strand, the complement: GPR179 is on the minus strand). VCF-style: chr17-38343117-G-A. GRCh37 (hg19) VCF-style: chr17-36499000-G-A.
Other names: short protein forms Q225*.
Identifiers: ClinVar variation 287851 (VCV000287851.11), dbSNP rs747682469, ClinGen allele CA10605893.

ClinVar aggregate classification (germline): Pathogenic. Review status: criteria provided, multiple submitters, no conflicts (2 of 4 stars). 2 submissions from 2 submitters: Pathogenic (2). Last evaluated 2020-10-09.

Allele frequency attached by ClinVar (database versions not stated): TOPMed below 0.00001; ExAC 0.00002; gnomAD exomes 0.00002 and 0.00004.
gnomAD v4.1: 65 of 1,614,188 alleles (0.004%); highest among the groups gnomAD compares: Non-Finnish European, 0.0053%; no homozygotes.

Submissions (2):

Labcorp Genetics (formerly Invitae), Labcorp
Classification: Pathogenic. Last evaluated: 2020-10-09. Review status: criteria provided, single submitter. Criteria: Invitae Variant Classification Sherloc (09022015). Collection method: clinical testing. Allele origin: germline.
Comment: Loss-of-function variants in GPR179 are known to be pathogenic (PMID: 22325361, 22325362). This variant has not been reported in the literature in individuals with GPR179-related conditions. ClinVar contains an entry for this variant (Variation ID: 287851). This variant is present in population databases (rs747682469, ExAC 0.004%). This sequence change creates a premature translational stop signal (p.Gln225*) in the GPR179 gene. It is expected to result in an absent or disrupted protein product. For these reasons, this variant has been classified as Pathogenic.

Eurofins Ntd Llc (ga)
Classification: Pathogenic. Last evaluated: 2016-05-19. Review status: criteria provided, single submitter. Criteria: EGL Classification Definitions 2015. Collection method: clinical testing. Allele origin: germline. Observed: 2 variant alleles, 2 heterozygotes.

Literature cited by the submitters: PubMed 22325361 (cited by Labcorp Genetics (formerly Invitae), Labcorp); PubMed 22325362 (cited by Labcorp Genetics (formerly Invitae), Labcorp).